The following is an entry in ClinVar:

NM_001134363.3(RBM20):c.2021A>G (p.Asp674Gly)

Gene: RBM20 (RNA binding motif protein 20; plus strand). Cytogenetic location: 10q25.2.
Variant type: single nucleotide variant.
Coding change: c.2021A>G on transcript NM_001134363.3 (MANE Select); coding-DNA position 2021, A replaced by G.
Protein change: p.Asp674Gly; replaces aspartic acid 674 with glycine.
Molecular consequence: missense variant.
Genome position (GRCh38, 1-based): chr10:110,812,418, A>G. VCF-style: chr10-110812418-A-G. GRCh37 (hg19) VCF-style: chr10-112572176-A-G.
Other names: p.Asp674Gly; short protein forms D674G.
Identifiers: ClinVar variation 942364 (VCV000942364.13), dbSNP rs1475557145, ClinGen allele CA378370960.
Genomic context (GRCh38, chr10:110,812,418, plus strand): 5'-CCTGCAGCTCTTCCCACAGCCCTCCGGGCCCCTCCCGGGCTGACTGGGGCAATGGCCGGG[A>G]CTCCTGGGAGCACTCTCCCTATGCCAGGAGGGAGGAAGAGCGAGACCCGGCTCCCTGGAG-3'
Protein context (NP_001127835.2, residues 664-684): PSRADWGNGR[Asp674Gly]SWEHSPYARR

ClinVar aggregate classification (germline): Conflicting classifications of pathogenicity. Review status: criteria provided, conflicting classifications (1 of 4 stars). 3 submissions from 3 submitters: Uncertain significance (2); Likely benign (1). Last evaluated 2025-12-16.

Conditions:
Dilated cardiomyopathy 1DD (CMD1DD). Identifiers: Orphanet 154, MedGen C2750995, MONDO:0013168, OMIM 613172.
Cardiovascular phenotype. Identifiers: MedGen CN230736.

Allele frequency attached by ClinVar (database versions not stated): gnomAD exomes 0.00001; TOPMed 0.00001.

Submissions (3):

Ambry Genetics
Classification: Uncertain significance for Cardiovascular phenotype. Last evaluated: 2025-12-16. Review status: criteria provided, single submitter. Criteria: Ambry Variant Classification Scheme 2023. Collection method: clinical testing. Allele origin: germline.
Comment: The p.D674G variant (also known as c.2021A>G), located in coding exon 9 of the RBM20 gene, results from an A to G substitution at nucleotide position 2021. The aspartic acid at codon 674 is replaced by glycine, an amino acid with similar properties. This variant was reported in individual(s) with features consistent with dilated cardiomyopathy (Hey TM et al. Circ Heart Fail, 2019 Mar;12:e005700; Marschall C et al. Cardiovasc Diagn Ther, 2019 Oct;9:S292-S298). This amino acid position is not well conserved in available vertebrate species. In addition, this alteration is predicted to be tolerated by in silico analysis. Based on the available evidence, the clinical significance of this variant remains unclear.

Labcorp Genetics (formerly Invitae), Labcorp
Classification: Likely benign for Dilated cardiomyopathy 1DD. Last evaluated: 2025-06-01. Review status: criteria provided, single submitter. Criteria: Invitae Variant Classification Sherloc (09022015). Collection method: clinical testing. Allele origin: germline.

Mayo Clinic Laboratories, Mayo Clinic
Classification: Uncertain significance. Last evaluated: 2025-02-01. Review status: criteria provided, single submitter. Criteria: ACMG Guidelines, 2015. Collection method: clinical testing. Allele origin: germline. Observed: 1 variant allele.
Comment: BP4, PM2_supporting

Literature cited by the submitters: PubMed 30871348 (cited by Ambry Genetics); PubMed 31737537 (cited by Ambry Genetics and Mayo Clinic Laboratories, Mayo Clinic).